The following is an entry in ClinVar:

NM_007194.4(CHEK2):c.-6-9C>G

Gene: CHEK2 (checkpoint kinase 2; minus strand). Cytogenetic location: 22q12.1.
Variant type: single nucleotide variant.
Coding change: c.-6-9C>G on transcript NM_007194.4 (MANE Select); 9 bases into the intron before 6 bases upstream of the start codon, C replaced by G.
Molecular consequence: intron variant.
Genome position (GRCh38, 1-based): chr22:28,734,736, G>C on the plus strand (C>G on the coding strand, the complement: CHEK2 is on the minus strand). VCF-style: chr22-28734736-G-C. GRCh37 (hg19) VCF-style: chr22-29130724-G-C.
Other names: c.-345+7033C>G (NM_001437942.1); c.-6-9C>G (NM_001349956.3, NM_145862.3, NM_001438295.1 and 3 more transcripts); c.-783-9C>G (NM_001257387.3).
Identifiers: ClinVar variation 128040 (VCV000128040.2), dbSNP rs565169061, ClinGen allele CA288249.

ClinVar aggregate classification (germline): Uncertain significance (1 of 4 stars; one submission).

Allele frequency attached by ClinVar (database versions not stated): gnomAD exomes below 0.00001; ExAC 0.00001; gnomAD 0.00001; 1000 Genomes Project 30x 0.00016; 1000 Genomes Project 0.00020.
gnomAD v4.1: 2 of 1,605,906 alleles (0.00012%); highest among the groups gnomAD compares: South Asian, 0.0011%; no homozygotes.

Submission:

GeneDx
Classification: Uncertain significance. Last evaluated: 2013-10-17. Review status: criteria provided, single submitter. Criteria: GeneDx Variant Classification (06012015). Collection method: clinical testing. Allele origin: germline. Affected: yes.
Comment: This variant is denoted CHEK2 IVS1-9C>G or c.-6-9C>G and multiple in silico programs predict that this substitution reduces the quality of an already weak natural splice acceptor site in intron 1. Therefore, the impact of this variant on splicing is not clear. Furthermore, CHEK2 IVS1-9C>G has not, to our knowledge, been published in the literature as a mutation or as a benign polymorphism. It was not observed in approximately 6,500 individuals of European and African American ancestry in the NHLBI ESP Exome Variant Server, suggesting it is not a common benign variant in these populations. Based on the current information, we cannot predict whether CHEK2 IVS1-9C>G is a rare, benign variant or a pathogenic mutation. The variant is found in BR-OV-HEREDIC panel(s).